The following is an entry in ClinVar:

NM_015346.4(ZFYVE26):c.5383C>T (p.Gln1795Ter)

Gene: ZFYVE26 (zinc finger FYVE-type containing 26; minus strand). Cytogenetic location: 14q24.1.
Variant type: single nucleotide variant.
Coding change: c.5383C>T on transcript NM_015346.4 (MANE Select); coding-DNA position 5383, C replaced by T.
Protein change: p.Gln1795Ter; replaces glutamine 1795 with a stop codon.
Molecular consequence: nonsense.
Genome position (GRCh38, 1-based): chr14:67,772,148, G>A on the plus strand (C>T on the coding strand, the complement: ZFYVE26 is on the minus strand). VCF-style: chr14-67772148-G-A. GRCh37 (hg19) VCF-style: chr14-68238865-G-A.
Other names: short protein forms Q1795*.
Identifiers: ClinVar variation 1451434 (VCV001451434.7), dbSNP rs1015483969, ClinGen allele CA262833900.

ClinVar aggregate classification (germline): Pathogenic (1 of 4 stars; one submission).

Conditions:
Spastic paraplegia. Identifiers: MedGen C0037772, HP:0001258.

Allele frequency attached by ClinVar (database versions not stated): TOPMed 0.00002.

Submission:

Labcorp Genetics (formerly Invitae), Labcorp
Classification: Pathogenic for Spastic paraplegia. Last evaluated: 2022-01-31. Review status: criteria provided, single submitter. Criteria: Invitae Variant Classification Sherloc (09022015). Collection method: clinical testing. Allele origin: germline.
Comment: For these reasons, this variant has been classified as Pathogenic. This variant has not been reported in the literature in individuals affected with ZFYVE26-related conditions. This variant is not present in population databases (gnomAD no frequency). This sequence change creates a premature translational stop signal (p.Gln1795*) in the ZFYVE26 gene. It is expected to result in an absent or disrupted protein product. Loss-of-function variants in ZFYVE26 are known to be pathogenic (PMID: 18394578, 19805727).

Literature cited by the submitters: PubMed 18394578; PubMed 19805727.